The following is an entry in ClinVar:

NM_019892.6(INPP5E):c.813-5C>T

Gene: INPP5E (inositol polyphosphate-5-phosphatase E; minus strand). Cytogenetic location: 9q34.3.
Variant type: single nucleotide variant.
Coding change: c.813-5C>T on transcript NM_019892.6 (MANE Select); 5 bases into the intron before coding-DNA position 813, C replaced by T.
Molecular consequence: intron variant.
Genome position (GRCh38, 1-based): chr9:136,434,868, G>A on the plus strand (C>T on the coding strand, the complement: INPP5E is on the minus strand). VCF-style: chr9-136434868-G-A. GRCh37 (hg19) VCF-style: chr9-139329320-G-A.
Other names: c.813-5C>T (NM_001318502.2).
Identifiers: ClinVar variation 4997769 (VCV004997769.1).

ClinVar aggregate classification (germline): Likely benign (1 of 4 stars; one submission).

Conditions:
INPP5E-related disorder. Also called: INPP5E-related condition.

gnomAD v4.1: 11 of 1,603,908 alleles (0.00069%); highest among the groups gnomAD compares: Non-Finnish European, 0.00094%; no homozygotes.

Submission:

PreventionGenetics, part of Exact Sciences
Classification: Likely benign for INPP5E-related condition. Last evaluated: 2025-04-09. Review status: criteria provided, single submitter. Criteria: ACMG Guidelines, 2015. Collection method: clinical testing. Allele origin: germline.
Comment: This variant is classified as likely benign based on ACMG/AMP sequence variant interpretation guidelines (Richards et al. 2015 PMID: 25741868, with internal and published modifications).